The following is an entry in ClinVar:

NM_000092.5(COL4A4):c.1624-12T>G

Gene: COL4A4 (collagen type IV alpha 4 chain; minus strand). Cytogenetic location: 2q36.3.
Variant type: single nucleotide variant.
Coding change: c.1624-12T>G on transcript NM_000092.5 (MANE Select); 12 bases into the intron before coding-DNA position 1624, T replaced by G.
Molecular consequence: intron variant.
Genome position (GRCh38, 1-based): chr2:227,082,199, A>C on the plus strand (T>G on the coding strand, the complement: COL4A4 is on the minus strand). VCF-style: chr2-227082199-A-C. GRCh37 (hg19) VCF-style: chr2-227946915-A-C.
Identifiers: ClinVar variation 4715549 (VCV004715549.1).

ClinVar aggregate classification (germline): Uncertain significance (1 of 4 stars; one submission).

Submission:

Labcorp Genetics (formerly Invitae), Labcorp
Classification: Uncertain significance. Last evaluated: 2025-03-20. Review status: criteria provided, single submitter. Criteria: Invitae Variant Classification Sherloc (09022015). Collection method: clinical testing. Allele origin: germline.
Comment: This sequence change falls in intron 22 of the COL4A4 gene. It does not directly change the encoded amino acid sequence of the COL4A4 protein. This variant is not present in population databases (gnomAD no frequency). This variant has not been reported in the literature in individuals affected with COL4A4-related conditions. Algorithms developed to predict the effect of sequence changes on RNA splicing suggest that this variant may disrupt the consensus splice site. In summary, the available evidence is currently insufficient to determine the role of this variant in disease. Therefore, it has been classified as a Variant of Uncertain Significance.